The following is an entry in ClinVar:

ClinVar aggregate classification (germline): Uncertain significance (1 of 4 stars; one submission).

Conditions:
RYR1-related disorder. Also called: RYR1-related condition; RYR1-related disorders. Identifiers: MedGen CN239331.

Allele frequency attached by ClinVar (database versions not stated): gnomAD exomes below 0.00001 and 0.00001.
gnomAD v4.1: 3 of 1,610,572 alleles (0.00019%); highest among the groups gnomAD compares: Non-Finnish European, 0.00025%; no homozygotes.

Submission:

Labcorp Genetics (formerly Invitae), Labcorp
Classification: Uncertain significance for RYR1-related disorder. Last evaluated: 2022-07-14. Review status: criteria provided, single submitter. Criteria: Invitae Variant Classification Sherloc (09022015). Collection method: clinical testing. Allele origin: germline.
Comment: This sequence change replaces isoleucine, which is neutral and non-polar, with phenylalanine, which is neutral and non-polar, at codon 3157 of the RYR1 protein (p.Ile3157Phe). This variant is present in population databases (no rsID available, gnomAD 0.0009%). This variant has not been reported in the literature in individuals affected with RYR1-related conditions. ClinVar contains an entry for this variant (Variation ID: 1057092). Algorithms developed to predict the effect of missense changes on protein structure and function are either unavailable or do not agree on the potential impact of this missense change (SIFT: "Deleterious"; PolyPhen-2: "Benign"; Align-GVGD: "Class C0"). In summary, the available evidence is currently insufficient to determine the role of this variant in disease. Therefore, it has been classified as a Variant of Uncertain Significance.

NM_000540.3(RYR1):c.9469A>T (p.Ile3157Phe)

Gene: RYR1 (ryanodine receptor 1; plus strand). Cytogenetic location: 19q13.2.
Variant type: single nucleotide variant.
Coding change: c.9469A>T on transcript NM_000540.3 (MANE Select); coding-DNA position 9469, A replaced by T.
Protein change: p.Ile3157Phe; replaces isoleucine 3157 with phenylalanine.
Molecular consequence: missense variant.
Genome position (GRCh38, 1-based): chr19:38,512,480, A>T. VCF-style: chr19-38512480-A-T. GRCh37 (hg19) VCF-style: chr19-39003120-A-T.
Other names: c.9469A>T, p.Ile3157Phe (NM_001042723.2); short protein forms I3157F.
Identifiers: ClinVar variation 1057092 (VCV001057092.6), dbSNP rs1374173406, ClinGen allele CA405687637.